The following is an entry in ClinVar:

NM_001609.4(ACADSB):c.*109G>A

Gene: ACADSB (acyl-CoA dehydrogenase short/branched chain; plus strand). Cytogenetic location: 10q26.13.
Variant type: single nucleotide variant.
Coding change: c.*109G>A on transcript NM_001609.4 (MANE Select); 109 bases downstream of the stop codon, G replaced by A.
Molecular consequence: 3 prime UTR variant.
Genome position (GRCh38, 1-based): chr10:123,053,874, G>A. VCF-style: chr10-123053874-G-A. GRCh37 (hg19) VCF-style: chr10-124813390-G-A.
Other names: c.*109G>A (NM_001330174.3).
Identifiers: ClinVar variation 299097 (VCV000299097.6), dbSNP rs34955007, ClinGen allele CA10635131.

ClinVar aggregate classification (germline): Benign. Review status: criteria provided, multiple submitters, no conflicts (2 of 4 stars). 2 submissions from 2 submitters: Benign (2). Last evaluated 2018-01-12.

Conditions:
Deficiency of 2-methylbutyryl-CoA dehydrogenase (ACADSB). Also called: 2-methylbutyryl-CoA dehydrogenase deficiency; SBCAD deficiency; 2-methylbutyric aciduria; Short branched-chain acyl-CoA dehydrogenase deficiency; 2-methylbutyrylglycinuria. Identifiers: Orphanet 79157, MedGen C1864912, MONDO:0012392, OMIM 610006, HP:0020147.

Allele frequency attached by ClinVar (database versions not stated): 1000 Genomes Project 30x 0.00671; 1000 Genomes Project 0.00719; TOPMed 0.01342; gnomAD 0.01412 and 0.01422.
gnomAD v4.1: 18,710 of 1,033,360 alleles (1.8%); highest among the groups gnomAD compares: Middle Eastern, 4.5%; 256 homozygotes.

Submissions (2):

Illumina Laboratory Services, Illumina
Classification: Benign for Deficiency of 2-methylbutyryl-CoA dehydrogenase. Last evaluated: 2018-01-12. Review status: criteria provided, single submitter. Criteria: ICSL Variant Classification Criteria 13 December 2019. Collection method: clinical testing. Allele origin: germline.
Comment: This variant was observed in the ICSL laboratory as part of a predisposition screen in an ostensibly healthy population. It had not been previously curated by ICSL or reported in the Human Gene Mutation Database (HGMD: prior to June 1st, 2018), and was therefore a candidate for classification through an automated scoring system. Utilizing variant allele frequency, disease prevalence and penetrance estimates, and inheritance mode, an automated score was calculated to assess if this variant is too frequent to cause the disease. Based on the score and internal cut-off values, a variant classified as benign is not then subjected to further curation. The score for this variant resulted in a classification of benign for this disease.

Breakthrough Genomics
Classification: Benign. Review status: criteria provided, single submitter. Criteria: ACMG Guidelines, 2015. Collection method: not provided. Allele origin: germline. Inheritance: Autosomal recessive inheritance. Affected: yes.